The following is an entry in ClinVar:

NM_006947.4(SRP72):c.215C>T (p.Thr72Ile)

Gene: SRP72 (signal recognition particle 72; plus strand). Cytogenetic location: 4q12.
Variant type: single nucleotide variant.
Coding change: c.215C>T on transcript NM_006947.4 (MANE Select); coding-DNA position 215, C replaced by T.
Protein change: p.Thr72Ile; replaces threonine 72 with isoleucine.
Molecular consequence: missense variant. On other transcripts: non-coding transcript variant (1).
Genome position (GRCh38, 1-based): chr4:56,469,758, C>T. VCF-style: chr4-56469758-C-T. GRCh37 (hg19) VCF-style: chr4-57335924-C-T.
Other names: c.215C>T, p.Thr72Ile (NM_001267722.2); short protein forms T72I.
Identifiers: ClinVar variation 3962065 (VCV003962065.1).

ClinVar aggregate classification (germline): Uncertain significance (1 of 4 stars; one submission).

Submission:

Ambry Genetics
Classification: Uncertain significance. Last evaluated: 2025-04-11. Review status: criteria provided, single submitter. Criteria: Ambry Variant Classification Scheme 2023. Collection method: clinical testing. Allele origin: germline.
Comment: The p.T72I variant (also known as c.215C>T), located in coding exon 2 of the SRP72 gene, results from a C to T substitution at nucleotide position 215. The threonine at codon 72 is replaced by isoleucine, an amino acid with similar properties. This amino acid position is conserved. In addition, this alteration is predicted to be tolerated by in silico analysis. Based on the available evidence, the clinical significance of this variant remains unclear.